The following is an entry in ClinVar:

NM_001851.6(COL9A1):c.250C>T (p.Gln84Ter)

Gene: COL9A1 (collagen type IX alpha 1 chain; minus strand). Cytogenetic location: 6q13.
Variant type: single nucleotide variant.
Coding change: c.250C>T on transcript NM_001851.6 (MANE Select); coding-DNA position 250, C replaced by T.
Protein change: p.Gln84Ter; replaces glutamine 84 with a stop codon.
Molecular consequence: nonsense.
Genome position (GRCh38, 1-based): chr6:70,300,092, G>A on the plus strand (C>T on the coding strand, the complement: COL9A1 is on the minus strand). VCF-style: chr6-70300092-G-A. GRCh37 (hg19) VCF-style: chr6-71009795-G-A.
Other names: c.250C>T, p.Gln84Ter (NM_001377291.1); short protein forms Q84*.
Identifiers: ClinVar variation 3609244 (VCV003609244.2).
Genomic context (GRCh38, chr6:70,300,092, plus strand): 5'-TGATAGATTACCTAGTTGGAATCCTGAAGTCTACATTATTTCCCAACTTGTAAGCCACCT[G>A]CAATGTAGCTGATCCCACTACTCTCTGGATAGCTCTTCTAGATGCTGCTTTATCTACCTG-3'

ClinVar aggregate classification (germline): Pathogenic (1 of 4 stars; one submission).

gnomAD v4.1: 3 of 1,613,776 alleles (0.00019%); highest among the groups gnomAD compares: Admixed American, 0.0033%; no homozygotes.

Submission:

Labcorp Genetics (formerly Invitae), Labcorp
Classification: Pathogenic. Last evaluated: 2024-12-26. Review status: criteria provided, single submitter. Criteria: Invitae Variant Classification Sherloc (09022015). Collection method: clinical testing. Allele origin: germline.
Comment: This sequence change creates a premature translational stop signal (p.Gln84*) in the COL9A1 gene. It is expected to result in an absent or disrupted protein product. Loss-of-function variants in COL9A1 are known to be pathogenic (PMID: 16909383, 21421862). This variant is not present in population databases (gnomAD no frequency). This variant has not been reported in the literature in individuals affected with COL9A1-related conditions. Algorithms developed to predict the effect of sequence changes on RNA splicing suggest that this variant may disrupt the consensus splice site. For these reasons, this variant has been classified as Pathogenic.

Literature cited by the submitters: PubMed 16909383; PubMed 21421862.